The following is an entry in ClinVar:

ClinVar aggregate classification (germline): Uncertain significance (1 of 4 stars; one submission).

gnomAD v4.1: 4 of 1,614,004 alleles (0.00025%); highest among the groups gnomAD compares: African/African-American, 0.004%; no homozygotes.

Submission:

Labcorp Genetics (formerly Invitae), Labcorp
Classification: Uncertain significance. Last evaluated: 2022-06-22. Review status: criteria provided, single submitter. Criteria: Invitae Variant Classification Sherloc (09022015). Collection method: clinical testing. Allele origin: germline.
Comment: In summary, the available evidence is currently insufficient to determine the role of this variant in disease. Therefore, it has been classified as a Variant of Uncertain Significance. Algorithms developed to predict the effect of missense changes on protein structure and function are either unavailable or do not agree on the potential impact of this missense change (SIFT: "Deleterious"; PolyPhen-2: "Probably Damaging"; Align-GVGD: "Class C0"). This variant has not been reported in the literature in individuals affected with AUTS2-related conditions. This variant is not present in population databases (gnomAD no frequency). This sequence change replaces glycine, which is neutral and non-polar, with valine, which is neutral and non-polar, at codon 763 of the AUTS2 protein (p.Gly763Val).

NM_015570.4(AUTS2):c.2288G>T (p.Gly763Val)

Gene: AUTS2 (activator of transcription and developmental regulator AUTS2; plus strand). Cytogenetic location: 7q11.22.
Variant type: single nucleotide variant.
Coding change: c.2288G>T on transcript NM_015570.4 (MANE Select); coding-DNA position 2288, G replaced by T.
Protein change: p.Gly763Val; replaces glycine 763 with valine.
Molecular consequence: missense variant.
Genome position (GRCh38, 1-based): chr7:70,786,018, G>T. VCF-style: chr7-70786018-G-T. GRCh37 (hg19) VCF-style: chr7-70251004-G-T.
Other names: c.2216G>T, p.Gly739Val (NM_001127231.3); short protein forms G739V, G763V.
Identifiers: ClinVar variation 2176098 (VCV002176098.4), dbSNP rs766391532, ClinGen allele CA367663755.